The following is an entry in ClinVar:

NM_015512.5(DNAH1):c.6788A>G (p.Asn2263Ser)

Gene: DNAH1 (dynein axonemal heavy chain 1; plus strand). Cytogenetic location: 3p21.1.
Variant type: single nucleotide variant.
Coding change: c.6788A>G on transcript NM_015512.5 (MANE Select); coding-DNA position 6788, A replaced by G.
Protein change: p.Asn2263Ser; replaces asparagine 2263 with serine.
Molecular consequence: missense variant.
Genome position (GRCh38, 1-based): chr3:52,372,348, A>G. VCF-style: chr3-52372348-A-G. GRCh37 (hg19) VCF-style: chr3-52406364-A-G.
Other names: short protein forms N2263S.
Identifiers: ClinVar variation 836461 (VCV000836461.5), dbSNP rs140407922, ClinGen allele CA2434637.

ClinVar aggregate classification (germline): Uncertain significance. Review status: criteria provided, multiple submitters, no conflicts (2 of 4 stars). 2 submissions from 2 submitters: Uncertain significance (2). Last evaluated 2024-03-27.

Conditions:
Spermatogenic failure 18. Identifiers: MedGen C4539783, MONDO:0054615, OMIM 617576.
Ciliary dyskinesia, primary, 37 (CILD37). Also called: CILIARY DYSKINESIA, PRIMARY, 37, WITH OR WITHOUT SITUS INVERSUS. Identifiers: MedGen C4539798, MONDO:0033204, OMIM 617577.

Allele frequency attached by ClinVar (database versions not stated): gnomAD 0.00004; TOPMed 0.00004; gnomAD exomes 0.00007 and 0.00008; ExAC 0.00010; 1000 Genomes Project 0.00020; 1000 Genomes Project 30x 0.00031.
gnomAD v4.1: 101 of 1,613,960 alleles (0.0063%); highest among the groups gnomAD compares: East Asian, 0.029%; no homozygotes.

Submissions (2):

Blueprint Genetics
Classification: Uncertain significance. Last evaluated: 2024-03-27. Review status: criteria provided, single submitter. Criteria: ACMG Guidelines, 2015. Collection method: clinical testing. Allele origin: germline.

Labcorp Genetics (formerly Invitae), Labcorp
Classification: Uncertain significance for Ciliary dyskinesia, primary, 37; Spermatogenic failure 18. Last evaluated: 2022-08-07. Review status: criteria provided, single submitter. Criteria: Invitae Variant Classification Sherloc (09022015). Collection method: clinical testing. Allele origin: germline.
Comment: This sequence change replaces asparagine, which is neutral and polar, with serine, which is neutral and polar, at codon 2263 of the DNAH1 protein (p.Asn2263Ser). This variant is present in population databases (rs140407922, gnomAD 0.07%). This missense change has been observed in individual(s) with clinical features of DNAH1-related conditions (Invitae). ClinVar contains an entry for this variant (Variation ID: 836461). Algorithms developed to predict the effect of missense changes on protein structure and function are either unavailable or do not agree on the potential impact of this missense change (SIFT: "Deleterious"; PolyPhen-2: "Benign"; Align-GVGD: "Class C0"). In summary, the available evidence is currently insufficient to determine the role of this variant in disease. Therefore, it has been classified as a Variant of Uncertain Significance.